The following is an entry in ClinVar:

ClinVar aggregate classification (germline): Conflicting classifications of pathogenicity. Review status: criteria provided, conflicting classifications (1 of 4 stars). 9 submissions from 9 submitters: Likely pathogenic (2); Uncertain significance (7). Last evaluated 2025-08-24.

Conditions:
Isolated thoracic aortic aneurysm.
Marfan syndrome (MFS). Also called: Marfan syndrome, classic; FBN1-Related Marfan Syndrome; Marfan syndrome type 1; Marfan's syndrome; MARFAN SYNDROME, TYPE I. Identifiers: Orphanet 284963, Orphanet 558, MedGen C0024796, MONDO:0007947, OMIM 154700.
Familial thoracic aortic aneurysm and aortic dissection (TAAD). Also called: Thoracic aortic aneurysms and dissections. Identifiers: Orphanet 91387, MedGen C4707243, MONDO:0019625.
MASS syndrome (OCTD). Also called: OVERLAP CONNECTIVE TISSUE DISEASE; MASS PHENOTYPE. Identifiers: MedGen C1858556, MONDO:0011431, OMIM 604308.

Allele frequency attached by ClinVar (database versions not stated): gnomAD 0.00001; 1000 Genomes Project 30x 0.00016; TOPMed below 0.00001; ExAC 0.00001; gnomAD exomes 0.00001; 1000 Genomes Project 0.00020.
gnomAD v4.1: 21 of 1,614,072 alleles (0.0013%); highest among the groups gnomAD compares: South Asian, 0.0066%; no homozygotes.

Submissions (9):

Labcorp Genetics (formerly Invitae), Labcorp
Classification: Uncertain significance for Marfan syndrome; Familial thoracic aortic aneurysm and aortic dissection. Last evaluated: 2025-08-24. Review status: criteria provided, single submitter. Criteria: Invitae Variant Classification Sherloc (09022015). Collection method: clinical testing. Allele origin: germline.
Comment: This sequence change replaces arginine, which is basic and polar, with cysteine, which is neutral and slightly polar, at codon 976 of the FBN1 protein (p.Arg976Cys). This variant is present in population databases (rs548296552, gnomAD 0.004%). This missense change has been observed in individual(s) with FBN1-related conditions (PMID: 33824467). ClinVar contains an entry for this variant (Variation ID: 200006). Invitae Evidence Modeling of protein sequence and biophysical properties (such as structural, functional, and spatial information, amino acid conservation, physicochemical variation, residue mobility, and thermodynamic stability) indicates that this missense variant is expected to disrupt FBN1 protein function with a positive predictive value of 95%. In summary, the available evidence is currently insufficient to determine the role of this variant in disease. Therefore, it has been classified as a Variant of Uncertain Significance.

Color Diagnostics, LLC DBA Color Health
Classification: Uncertain significance for Familial thoracic aortic aneurysm and aortic dissection. Last evaluated: 2025-08-04. Review status: criteria provided, single submitter. Criteria: ACMG Guidelines, 2015. Collection method: clinical testing. Allele origin: germline.
Comment: This missense variant replaces arginine with cysteine at codon 976 of the FBN1 protein. Computational prediction suggests that this variant may have deleterious impact on protein structure and function. To our knowledge, functional studies have not been reported for this variant. This variant has been reported in an individual affected with thoracic aortic aneurysm (PMID: 33824467) and multiple other individuals with unspecified phenotype (PMID: 31589614, 32989268). This variant has been identified in 4/282846 chromosomes in the general population by the Genome Aggregation Database (gnomAD). The available evidence is insufficient to determine the role of this variant in disease conclusively. Therefore, this variant is classified as a Variant of Uncertain Significance.

GeneDx
Classification: Likely pathogenic. Last evaluated: 2025-06-15. Review status: criteria provided, single submitter. Criteria: GeneDx Variant Classification Process June 2021. Collection method: clinical testing. Allele origin: germline. Affected: yes.
Comment: Observed in an individual with TAAD in the published literature (PMID: 33824467); Affects a cysteine residue within a TGF-binding protein domain (aka TB domain or 8-Cysteine domain) and is expected to disrupt disulfide bonding within this domain; other missense substitutions that affect cysteine residues within TGF-binding protein domains have been reported in association with FBN1-related disorders (PMIDs: 8281141, 21175431, 7622614; HGMD); Not observed at significant frequency in large population cohorts (gnomAD); In silico analysis supports that this missense variant has a deleterious effect on protein structure/function; This variant is associated with the following publications: (PMID: 31589614, 33824467, 8281141, 21175431, 7622614)

All of Us Research Program, National Institutes of Health
Classification: Uncertain significance for Marfan syndrome. Last evaluated: 2023-03-23. Review status: criteria provided, single submitter. Criteria: ACMG Guidelines, 2015. Collection method: clinical testing. Allele origin: germline. Inheritance: Autosomal dominant inheritance. Observed: 1 variant allele, 1 heterozygote.
Comment: This missense variant replaces arginine with cysteine at codon 976 of the FBN1 protein. Computational prediction suggests that this variant may have deleterious impact on protein structure and function (internally defined REVEL score threshold >= 0.7, PMID: 27666373). To our knowledge, functional studies have not been reported for this variant. This variant has been reported in an individual affected with thoracic aortic aneurysm (PMID: 33824467). This variant has also been reported in multiple other individuals but whether they are affected with FBN1-related disorders is not clear in the publications (PMID: 31589614, 32989268). This variant has been identified in 4/282846 chromosomes in the general population by the Genome Aggregation Database (gnomAD). The available evidence is insufficient to determine the role of this variant in disease conclusively. Therefore, this variant is classified as a Variant of Uncertain Significance.

This study involves interpretation of variants in research participants for the purpose of population health screening. Participant phenotype was not available at the time of variant classification. Additional details can be found in publication PMID: 35346344, PMCID: PMC8962531

Blueprint Genetics
Classification: Uncertain significance. Last evaluated: 2022-12-22. Review status: criteria provided, single submitter. Criteria: ACMG Guidelines, 2015. Collection method: clinical testing. Allele origin: germline.

Human Genetics Unit, University Of Colombo
Classification: Likely pathogenic for MASS syndrome. Last evaluated: 2022-03-08. Review status: criteria provided, single submitter. Criteria: ACMG Guidelines, 2015. Collection method: clinical testing. Allele origin: germline. Affected: yes. Observed: 1 variant allele.
Comment: ClinVar classifies this variant as Uncertain Significance but a high confidence submitter has classified as Likely Pathogenic, 1 star (reviewed Mar '25, 6 submissions of which 1 is from high confidence submitter), citing 3 articles (PMID 33824467, 32989268, and 31589614) [PP5]. Hot-spot of length 17 amino-acids has 31 missense/in-frame variants (9 pathogenic variants, 22 uncertain variants, and no benign), which qualifies as moderate pathogenic [PM1]. Alternative variant chr15:48782203 C>T (Arg976His) is classified Pathogenic by UniProt Variants [PM5]. Multiple lines of In silico analyses supports that this variant has a deleterious effect on protein structure/function [PP3]. In summary, this variant meets criteria to be classified as likely pathogenic based on ACMG/AMP guidelines: PP3_Supporting, PP4_Supporting, PP5_Supporting, PM1_Moderate, and PM5_Moderate.

AiLife Diagnostics
Classification: Uncertain significance. Last evaluated: 2021-11-25. Review status: criteria provided, single submitter. Criteria: ACMG Guidelines, 2015. Collection method: clinical testing. Allele origin: germline. Affected: yes. Observed: 1 variant allele.

Women's Health and Genetics/Laboratory Corporation of America, LabCorp
Classification: Uncertain significance. Last evaluated: 2019-03-04. Review status: criteria provided, single submitter. Criteria: LabCorp Variant Classification Summary - May 2015. Collection method: clinical testing. Allele origin: germline.
Comment: Variant summary: FBN1 c.2926C>T (p.Arg976Cys) results in a non-conservative amino acid change located in the TB domain (IPR017878) of the encoded protein sequence. Five of five in-silico tools predict a damaging effect of the variant on protein function. The variant allele was found at a frequency of 1.4e-05 in 277204 control chromosomes. The available data on variant occurrences in the general population are insufficient to allow any conclusion about variant significance. To our knowledge, no occurrence of c.2926C>T in individuals affected with Marfan Syndrome and no experimental evidence demonstrating its impact on protein function have been reported. No clinical diagnostic laboratories have submitted clinical-significance assessments for this variant to ClinVar after 2014. Missense affecting or creating cysteine residues are listed as one of the criteria for causal FBN1 mutations in the revised Ghent criteria for the diagnosis of Marfan syndrome (MFS) and related conditions (Loeys BL et al., J Med Genet 2010; 47:476-485). Based on the evidence outlined above, unless additional clinical and functional evidence are obtained, the variant was classified as VUS-possibly pathogenic.

Department of Vascular Biology, Beijing Anzhen Hospital
Classification: Uncertain significance for Isolated thoracic aortic aneurysm. Last evaluated: 2018-09-01. Review status: criteria provided, single submitter. Criteria: ACMG Guidelines, 2015. Collection method: research. Allele origin: germline. Affected: yes.

Literature cited by the submitters: PubMed 33824467 (cited by 4 submitters); PubMed 31589614 (cited by 4 submitters); PubMed 32989268 (cited by 3 submitters).

NM_000138.5(FBN1):c.2926C>T (p.Arg976Cys)

Gene: FBN1 (fibrillin 1; minus strand). Cytogenetic location: 15q21.1.
Variant type: single nucleotide variant.
Coding change: c.2926C>T on transcript NM_000138.5 (MANE Select); coding-DNA position 2926, C replaced by T.
Protein change: p.Arg976Cys; replaces arginine 976 with cysteine.
Molecular consequence: missense variant.
Genome position (GRCh38, 1-based): chr15:48,490,007, G>A on the plus strand (C>T on the coding strand, the complement: FBN1 is on the minus strand). VCF-style: chr15-48490007-G-A. GRCh37 (hg19) VCF-style: chr15-48782204-G-A.
Other names: p.R976C:CGC>TGC; short protein forms R976C.
Identifiers: ClinVar variation 200006 (VCV000200006.25), dbSNP rs548296552, ClinGen allele CA013523.